The following is an entry in ClinVar:

NM_001267550.2(TTN):c.39366G>A (p.Ala13122=)

Gene: TTN (titin; minus strand). Cytogenetic location: 2q31.2.
Variant type: single nucleotide variant.
Coding change: c.39366G>A on transcript NM_001267550.2 (MANE Select); coding-DNA position 39366, G replaced by A.
Protein change: p.Ala13122=; no amino-acid change (alanine 13122 retained).
Molecular consequence: synonymous variant. On other transcripts: intron variant (3).
Genome position (GRCh38, 1-based): chr2:178,651,897, C>T on the plus strand (G>A on the coding strand, the complement: TTN is on the minus strand). VCF-style: chr2-178651897-C-T. GRCh37 (hg19) VCF-style: chr2-179516624-C-T.
Other names: c.34845G>A, p.Ala11615= (NM_001256850.1); c.13283-9580G>A (NM_003319.4); c.13859-9580G>A (NM_133437.4); c.13658-9580G>A (NM_133432.3); c.32064G>A, p.Ala10688= (NM_133378.4).
Identifiers: ClinVar variation 505319 (VCV000505319.16), dbSNP rs769494020, ClinGen allele CA430106915.

ClinVar aggregate classification (germline): Likely benign. Review status: criteria provided, multiple submitters, no conflicts (2 of 4 stars). 2 submissions from 2 submitters: Likely benign (2). Last evaluated 2026-01-23.

Conditions:
Autosomal recessive limb-girdle muscular dystrophy type 2J (LGMDR10). Also called: MUSCULAR DYSTROPHY, LIMB-GIRDLE, AUTOSOMAL RECESSIVE 10; Limb-girdle muscular dystrophy, type 2J. Identifiers: Orphanet 140922, MedGen C1837342, MONDO:0012127, OMIM 608807.
Dilated cardiomyopathy 1G (CMD1G). Identifiers: Orphanet 154, MedGen C1858763, MONDO:0011400, OMIM 604145.

Allele frequency attached by ClinVar (database versions not stated): gnomAD exomes below 0.00001; TOPMed 0.00003.
gnomAD v4.1: 44 of 1,608,362 alleles (0.0027%); highest among the groups gnomAD compares: Middle Eastern, 0.017%; no homozygotes.

Submissions (2):

Labcorp Genetics (formerly Invitae), Labcorp
Classification: Likely benign for Dilated cardiomyopathy 1G; Autosomal recessive limb-girdle muscular dystrophy type 2J. Last evaluated: 2026-01-23. Review status: criteria provided, single submitter. Criteria: Invitae Variant Classification Sherloc (09022015). Collection method: clinical testing. Allele origin: germline.

Laboratory for Molecular Medicine, Mass General Brigham Personalized Medicine
Classification: Likely benign. Last evaluated: 2016-09-01. Review status: criteria provided, single submitter. Criteria: LMM Criteria. Collection method: clinical testing. Allele origin: germline. Observed: 1 variant allele.
Comment: p.Ala10688Ala in exon 159 of TTN: This variant is not expected to have clinical significance because it does not alter an amino acid residue and is not located within the splice consensus sequence.